The following is an entry in ClinVar:

ClinVar aggregate classification (germline): Likely pathogenic (1 of 4 stars; one submission).

Conditions:
Cockayne syndrome type 2 (CSB). Also called: COCKAYNE SYNDROME B; Cockayne Syndrome, Type II. Identifiers: Orphanet 191, Orphanet 90322, MedGen C0751038, MONDO:0019570, OMIM 133540.

Submission:

Myriad Genetics, Inc.
Classification: Likely pathogenic for Cockayne syndrome type 2. Last evaluated: 2022-03-31. Review status: criteria provided, single submitter. Criteria: Myriad Women's Health Autosomal Recessive and X-Linked Classification Criteria (2021). Collection method: clinical testing. Allele origin: unknown.
Comment: NM_000124.2(ERCC6):c.1213A>T(K405*) is expected to be pathogenic in the context of ERCC6-related disorders. This variant is predicted to lead to an abnormal or absent protein product due to the creation of a premature termination codon in ERCC6, a gene where loss-of-function variants are known to be pathogenic. Please note: this variant was assessed in the context of healthy population screening.

NM_000124.4(ERCC6):c.1213A>T (p.Lys405Ter)

Genes: ERCC6 (ERCC excision repair 6, chromatin remodeling factor; minus strand), PGBD3 (piggyBac transposable element derived 3; minus strand). Cytogenetic location: 10q11.23.
Variant type: single nucleotide variant.
Coding change: c.1213A>T on transcript NM_000124.4 (MANE Select); coding-DNA position 1213, A replaced by T.
Protein change: p.Lys405Ter; replaces lysine 405 with a stop codon.
Molecular consequence: nonsense. On other transcripts: 5 prime UTR variant (1).
Genome position (GRCh38, 1-based): chr10:49,524,217, T>A on the plus strand (A>T on the coding strand, the complement: ERCC6 is on the minus strand). VCF-style: chr10-49524217-T-A. GRCh37 (hg19) VCF-style: chr10-50732263-T-A.
Other names: c.1213A>T, p.Lys405Ter (NM_001277058.2, NM_001277059.2, NM_001346440.2); c.-192A>T (NM_170753.3); short protein forms K405*.
Identifiers: ClinVar variation 1725710 (VCV001725710.2), dbSNP rs2496138678, ClinGen allele CA376752437.